The following is an entry in ClinVar:

NC_000016.9:g.(?_148133)_(188266_?)del

Gene: NPRL3 (NPR3 like, GATOR1 complex subunit; minus strand). Cytogenetic location: 16p13.3.
Variant type: Deletion.
Identifiers: ClinVar variation 1076138 (VCV001076138.5).

ClinVar aggregate classification (germline): Pathogenic (1 of 4 stars; one submission).

Conditions:
Epilepsy, familial focal, with variable foci 3 (FFEVF3). Identifiers: MedGen C4310708, MONDO:0014925, OMIM 617118.

Submission:

Labcorp Genetics (formerly Invitae), Labcorp
Classification: Pathogenic for Epilepsy, familial focal, with variable foci 3. Last evaluated: 2020-10-20. Review status: criteria provided, single submitter. Criteria: Invitae Variant Classification Sherloc (09022015). Collection method: clinical testing. Allele origin: germline.
Comment: For these reasons, this variant has been classified as Pathogenic. Loss-of-function variants in NPRL3 are known to be pathogenic (PMID: 26285051, 26505888). This variant has not been reported in the literature in individuals with NPRL3-related conditions. This variant is a gross deletion of the genomic region encompassing exons 2-9 of the NPRL3 gene, which includes the initiator codon. The 5' end of this event is unknown as it extends beyond the assayed region for this gene and therefore may encompass additional genes. The 3' boundary is likely confined to intron 9 of the NPRL3 gene. This is expected to result in an absent or disrupted protein product.

Literature cited by the submitters: PubMed 26285051; PubMed 26505888.